The following is an entry in ClinVar:

NM_152732.5(RSPH9):c.176T>A (p.Ile59Asn)

Gene: RSPH9 (radial spoke head component 9; plus strand). Cytogenetic location: 6p21.1.
Variant type: single nucleotide variant.
Coding change: c.176T>A on transcript NM_152732.5 (MANE Select); coding-DNA position 176, T replaced by A.
Protein change: p.Ile59Asn; replaces isoleucine 59 with asparagine.
Molecular consequence: missense variant. On other transcripts: non-coding transcript variant (2).
Genome position (GRCh38, 1-based): chr6:43,645,274, T>A. VCF-style: chr6-43645274-T-A. GRCh37 (hg19) VCF-style: chr6-43613011-T-A.
Other names: c.176T>A, p.Ile59Asn (NM_001193341.2, NM_001424119.1, NM_001424120.1 and 1 more transcripts); short protein forms I59N.
Identifiers: ClinVar variation 3061445 (VCV003061445.2), dbSNP rs2532698779, ClinGen allele CA364287443.

ClinVar aggregate classification (germline): Uncertain significance (0 of 4 stars; one submission).

Conditions:
RSPH9-related disorder. Also called: RSPH9-related condition.

Submission:

PreventionGenetics, part of Exact Sciences
Classification: Uncertain significance for RSPH9-related condition. Last evaluated: 2024-02-28. Review status: no assertion criteria provided. Collection method: clinical testing. Allele origin: germline.
Comment: The RSPH9 c.176T>A variant is predicted to result in the amino acid substitution p.Ile59Asn. To our knowledge, this variant has not been reported in the literature or in a large population database, indicating this variant is rare. At this time, the clinical significance of this variant is uncertain due to the absence of conclusive functional and genetic evidence.